The following is an entry in ClinVar:

NM_001256071.3(RNF213):c.14474T>C (p.Leu4825Pro)

Genes: RNF213 (ring finger protein 213; plus strand), RNF213-AS1 (RNF213 antisense RNA 1; minus strand), LOC126862664 (CDK7 strongly-dependent group 2 enhancer GRCh37_chr17:78359110-78360309; plus strand). Cytogenetic location: 17q25.3.
Variant type: single nucleotide variant.
Coding change: c.14474T>C on transcript NM_001256071.3 (MANE Select); coding-DNA position 14474, T replaced by C.
Protein change: p.Leu4825Pro; replaces leucine 4825 with proline.
Molecular consequence: missense variant.
Genome position (GRCh38, 1-based): chr17:80,385,556, T>C. VCF-style: chr17-80385556-T-C. GRCh37 (hg19) VCF-style: chr17-78359356-T-C.
Other names: c.14621T>C, p.Leu4874Pro (NM_001410195.1, NM_020914.5); short protein forms L4825P, L4874P.
Identifiers: ClinVar variation 3897397 (VCV003897397.1).

ClinVar aggregate classification (germline): Uncertain significance (1 of 4 stars; one submission).

gnomAD v4.1: 2 of 1,614,162 alleles (0.00012%); highest among the groups gnomAD compares: Non-Finnish European, 0.00017%; no homozygotes.

Submission:

GeneDx
Classification: Uncertain significance. Last evaluated: 2024-10-28. Review status: criteria provided, single submitter. Criteria: GeneDx Variant Classification Process June 2021. Collection method: clinical testing. Allele origin: germline. Affected: yes.
Comment: Not observed at significant frequency in large population cohorts (gnomAD); In silico analysis supports that this missense variant has a deleterious effect on protein structure/function; Has not been previously published as pathogenic or benign to our knowledge